The following is an entry in ClinVar:

ClinVar aggregate classification (germline): Uncertain significance (1 of 4 stars; one submission).

Submission:

Labcorp Genetics (formerly Invitae), Labcorp
Classification: Uncertain significance. Last evaluated: 2025-01-20. Review status: criteria provided, single submitter. Criteria: Invitae Variant Classification Sherloc (09022015). Collection method: clinical testing. Allele origin: germline.
Comment: This variant, c.2630_2632delinsCTA, is a complex sequence change that results in the deletion of 2 and insertion of 2 amino acid(s) in the COL11A1 protein (p.Gly877_Pro878delinsAlaThr). Information on the frequency of this variant in the gnomAD database is not available, as this variant may be reported differently in the database. This variant has not been reported in the literature in individuals affected with COL11A1-related conditions. Experimental studies and prediction algorithms are not available or were not evaluated, and the functional significance of this variant is currently unknown. In summary, the available evidence is currently insufficient to determine the role of this variant in disease. Therefore, it has been classified as a Variant of Uncertain Significance.

NM_001854.4(COL11A1):c.2630_2632delinsCTA (p.Gly877_Pro878delinsAlaThr)

Gene: COL11A1 (collagen type XI alpha 1 chain; minus strand). Cytogenetic location: 1p21.1.
Variant type: Indel.
Coding change: c.2630_2632delinsCTA on transcript NM_001854.4 (MANE Select); coding-DNA positions 2630 to 2632, GCC replaced by CTA.
Protein change: p.Gly877_Pro878delinsAlaThr.
Molecular consequence: missense variant. On other transcripts: non-coding transcript variant (1).
Genome position (GRCh38, 1-based): chr1:102,979,083-102,979,085, GGC replaced by TAG on the plus strand (GCC replaced by CTA on the coding strand, the reverse complement: COL11A1 is on the minus strand). VCF-style: chr1-102979083-GGC-TAG. GRCh37 (hg19) VCF-style: chr1-103444639-GGC-TAG.
Other names: c.2513_2515delinsCTA, p.Gly838_Pro839delinsAlaThr (NM_001190709.2); c.2666_2668delinsCTA, p.Gly889_Pro890delinsAlaThr (NM_080629.3); c.2282_2284delinsCTA, p.Gly761_Pro762delinsAlaThr (NM_080630.4).
Identifiers: ClinVar variation 3729222 (VCV003729222.2).